The following is an entry in ClinVar:

ClinVar aggregate classification (germline): Uncertain significance (1 of 4 stars; one submission).

Conditions:
Brody myopathy. Also called: BRODY DISEASE. Identifiers: Orphanet 53347, MedGen C1832918, MONDO:0010977, OMIM 601003.

gnomAD v4.1: 1 of 1,613,472 alleles (0.000062%); highest among the groups gnomAD compares: Admixed American, 0.0017%; no homozygotes.

Submission:

Labcorp Genetics (formerly Invitae), Labcorp
Classification: Uncertain significance for Brody myopathy. Last evaluated: 2022-08-05. Review status: criteria provided, single submitter. Criteria: Invitae Variant Classification Sherloc (09022015). Collection method: clinical testing. Allele origin: germline.
Comment: This sequence change replaces lysine, which is basic and polar, with glutamic acid, which is acidic and polar, at codon 47 of the ATP2A1 protein (p.Lys47Glu). This variant is not present in population databases (gnomAD no frequency). This variant has not been reported in the literature in individuals affected with ATP2A1-related conditions. ClinVar contains an entry for this variant (Variation ID: 1417388). Algorithms developed to predict the effect of missense changes on protein structure and function are either unavailable or do not agree on the potential impact of this missense change (SIFT: "Deleterious"; PolyPhen-2: "Probably Damaging"; Align-GVGD: "Class C0"). In summary, the available evidence is currently insufficient to determine the role of this variant in disease. Therefore, it has been classified as a Variant of Uncertain Significance.

NM_004320.6(ATP2A1):c.139A>G (p.Lys47Glu)

Genes: ATP2A1-AS1 (ATP2A1 antisense RNA 1; minus strand), ATP2A1 (ATPase sarcoplasmic/endoplasmic reticulum Ca2+ transporting 1; plus strand). Cytogenetic location: 16p11.2.
Variant type: single nucleotide variant.
Coding change: c.139A>G on transcript NM_004320.6 (MANE Select); coding-DNA position 139, A replaced by G.
Protein change: p.Lys47Glu; replaces lysine 47 with glutamic acid.
Molecular consequence: missense variant. On other transcripts: non-coding transcript variant (2).
Genome position (GRCh38, 1-based): chr16:28,879,503, A>G. VCF-style: chr16-28879503-A-G. GRCh37 (hg19) VCF-style: chr16-28890824-A-G.
Other names: c.139A>G, p.Lys47Glu (NM_173201.5); short protein forms K47E.
Identifiers: ClinVar variation 1417388 (VCV001417388.3), dbSNP rs2152196778, ClinGen allele CA395399939.